The following is an entry in ClinVar:

NM_001172560.3(SSTR5):c.693G>A (p.Ala231=)

Gene: SSTR5 (somatostatin receptor 5; plus strand). Cytogenetic location: 16p13.3.
Variant type: single nucleotide variant.
Coding change: c.693G>A on transcript NM_001172560.3 (MANE Select); coding-DNA position 693, G replaced by A.
Protein change: p.Ala231=; no amino-acid change (alanine 231 retained).
Molecular consequence: synonymous variant.
Genome position (GRCh38, 1-based): chr16:1,079,561, G>A. VCF-style: chr16-1079561-G-A. GRCh37 (hg19) VCF-style: chr16-1129561-G-A.
Other names: c.693G>A, p.Ala231= (NM_001053.4).
Identifiers: ClinVar variation 708027 (VCV000708027.30), dbSNP rs35804776, ClinGen allele CA7798797.

ClinVar aggregate classification (germline): Benign/Likely benign. Review status: criteria provided, multiple submitters, no conflicts (2 of 4 stars). 4 submissions from 4 submitters: Benign (2); Likely benign (1). 1 of the submissions does not count toward it. Last evaluated 2023-03-01.

Conditions:
SSTR5-related disorder. Also called: SSTR5-related condition.

Allele frequency attached by ClinVar (database versions not stated): 1000 Genomes Project 30x 0.00109; 1000 Genomes Project 0.00120; TOPMed 0.00227; gnomAD 0.00235 and 0.00237; ExAC 0.00276; gnomAD exomes 0.00300; ESP Exome Variant Server 0.00301.
gnomAD v4.1: 4,586 of 1,611,566 alleles (0.28%); highest among the groups gnomAD compares: Middle Eastern, 0.79%; 20 homozygotes.

Submissions (4):

CeGaT Center for Human Genetics Tuebingen
Classification: Likely benign. Last evaluated: 2023-03-01. Review status: criteria provided, single submitter. Criteria: CeGaT Center For Human Genetics Tuebingen Variant Classification Criteria Version 2. Collection method: clinical testing. Allele origin: germline. Affected: yes. Observed: 2 variant alleles.
Comment: SSTR5: BP4, BP7, BS2

Labcorp Genetics (formerly Invitae), Labcorp
Classification: Benign. Last evaluated: 2019-12-31. Review status: criteria provided, single submitter. Criteria: Invitae Variant Classification Sherloc (09022015). Collection method: clinical testing. Allele origin: germline.

Breakthrough Genomics
Classification: Benign. Review status: criteria provided, single submitter. Criteria: ACMG Guidelines, 2015. Collection method: not provided. Allele origin: germline. Inheritance: Unknown mechanism. Affected: yes.

PreventionGenetics, part of Exact Sciences
Classification: Benign for SSTR5-related condition. Last evaluated: 2019-10-16. Review status: no assertion criteria provided. Collection method: clinical testing. Allele origin: germline. Not counted in ClinVar's aggregate classification.
Comment: This variant is classified as benign based on ACMG/AMP sequence variant interpretation guidelines (Richards et al. 2015 PMID: 25741868, with internal and published modifications).